The following is an entry in ClinVar:

NM_031308.4(EPPK1):c.5964G>A (p.Pro1988=)

Gene: EPPK1 (epiplakin 1; minus strand). Cytogenetic location: 8q24.3.
Variant type: single nucleotide variant.
Coding change: c.5964G>A on transcript NM_031308.4 (MANE Select); coding-DNA position 5964, G replaced by A.
Protein change: p.Pro1988=; no amino-acid change (proline 1988 retained).
Molecular consequence: synonymous variant.
Genome position (GRCh38, 1-based): chr8:143,867,290, C>T on the plus strand (G>A on the coding strand, the complement: EPPK1 is on the minus strand). VCF-style: chr8-143867290-C-T. GRCh37 (hg19) VCF-style: chr8-144941458-C-T.
Identifiers: ClinVar variation 3051030 (VCV003051030.2), dbSNP rs371636220, ClinGen allele CA4921975.

ClinVar aggregate classification (germline): Likely benign (0 of 4 stars; one submission).

Conditions:
EPPK1-related disorder. Also called: EPPK1-related condition.

Allele frequency attached by ClinVar (database versions not stated): ExAC 0.00003; gnomAD 0.00003; TOPMed 0.00005; ESP Exome Variant Server 0.00008.
gnomAD v4.1: 42 of 1,612,052 alleles (0.0026%); highest among the groups gnomAD compares: Middle Eastern, 0.033%; no homozygotes.

Submission:

PreventionGenetics, part of Exact Sciences
Classification: Likely benign for EPPK1-related condition. Last evaluated: 2021-05-17. Review status: no assertion criteria provided. Collection method: clinical testing. Allele origin: germline.
Comment: This variant is classified as likely benign based on ACMG/AMP sequence variant interpretation guidelines (Richards et al. 2015 PMID: 25741868, with internal and published modifications).